The following is an entry in ClinVar:

ClinVar aggregate classification (germline): Conflicting classifications of pathogenicity. Review status: criteria provided, conflicting classifications (1 of 4 stars). 2 submissions from 2 submitters: Uncertain significance (1); Likely benign (1). Last evaluated 2024-12-01.

gnomAD v4.1: 10 of 1,614,156 alleles (0.00062%); highest among the groups gnomAD compares: South Asian, 0.0011%; no homozygotes.

Submissions (2):

CeGaT Center for Human Genetics Tuebingen
Classification: Uncertain significance. Last evaluated: 2024-12-01. Review status: criteria provided, single submitter. Criteria: CeGaT Center For Human Genetics Tuebingen Variant Classification Criteria Version 2. Collection method: clinical testing. Allele origin: germline. Affected: yes. Observed: 1 variant allele.
Comment: ARID1A: PS2:Supporting

Labcorp Genetics (formerly Invitae), Labcorp
Classification: Likely benign. Last evaluated: 2023-05-15. Review status: criteria provided, single submitter. Criteria: Invitae Variant Classification Sherloc (09022015). Collection method: clinical testing. Allele origin: germline.

NM_006015.6(ARID1A):c.4348G>A (p.Gly1450Ser)

Gene: ARID1A (AT-rich interaction domain 1A; plus strand). Cytogenetic location: 1p36.11.
Variant type: single nucleotide variant.
Coding change: c.4348G>A on transcript NM_006015.6 (MANE Select); coding-DNA position 4348, G replaced by A.
Protein change: p.Gly1450Ser; replaces glycine 1450 with serine.
Molecular consequence: missense variant. On other transcripts: intron variant (1).
Genome position (GRCh38, 1-based): chr1:26,774,575, G>A. VCF-style: chr1-26774575-G-A. GRCh37 (hg19) VCF-style: chr1-27101066-G-A.
Other names: c.4102-405G>A (NM_139135.4); short protein forms G1450S.
Identifiers: ClinVar variation 2802751 (VCV002802751.16), dbSNP rs1330309030, ClinGen allele CA339174742.